The following is an entry in ClinVar:

ClinVar aggregate classification (germline): Pathogenic/Likely pathogenic. Review status: criteria provided, multiple submitters, no conflicts (2 of 4 stars). 3 submissions from 3 submitters: Pathogenic (1); Likely pathogenic (1). 1 of the submissions does not count toward it. Last evaluated 2025-03-17.

Conditions:
Holocarboxylase synthetase deficiency. Also called: MULTIPLE CARBOXYLASE DEFICIENCY, EARLY ONSET. Identifiers: Orphanet 79242, MedGen C0268581, MONDO:0009666, OMIM 253270.

Allele frequency attached by ClinVar (database versions not stated): gnomAD exomes below 0.00001 and 0.00001.
gnomAD v4.1: 3 of 1,611,714 alleles (0.00019%); highest among the groups gnomAD compares: East Asian, 0.0067%; no homozygotes.

Submissions (3):

Natera, Inc.
Classification: Likely pathogenic for Holocarboxylase synthetase deficiency. Last evaluated: 2025-03-17. Review status: criteria provided, single submitter. Criteria: Natera Variant Classification Schema (03/2026). Collection method: clinical testing. Allele origin: germline.
Comment: The c.2010-1G>A variant in HLCS is a canonical splice acceptor site variant predicted to affect pre-mRNA splicing, which may result in an abnormal transcript and altered protein product. This variant may result in a truncated or dysfunctional protein product. This variant is rare in the general population with a frequency below the threshold expected for the associated phenotype(s). This variant has been observed in one or more individuals affected with the associated recessive disease, as either homozygous or compound heterozygous with a second variant (PMID: 32841162). Given the available evidence, this variant is classified as Likely Pathogenic.

Baylor Genetics
Classification: Pathogenic for Holocarboxylase synthetase deficiency. Last evaluated: 2023-09-28. Review status: criteria provided, single submitter. Criteria: ACMG Guidelines, 2015. Collection method: clinical testing. Allele origin: unknown.

SingHealth Duke-NUS Institute of Precision Medicine
Classification: Uncertain significance for Holocarboxylase synthetase deficiency. Last evaluated: 2017-06-07. Review status: no assertion criteria provided. Collection method: curation. Allele origin: germline. Affected: no. Not counted in ClinVar's aggregate classification.

Literature cited by the submitters: PubMed 32841162 (cited by Natera, Inc.).

NM_001352514.2(HLCS):c.2451-1G>A

Gene: HLCS (holocarboxylase synthetase; minus strand). Cytogenetic location: 21q22.13.
Variant type: single nucleotide variant.
Coding change: c.2451-1G>A on transcript NM_001352514.2 (MANE Select); the canonical splice acceptor site of the intron before coding-DNA position 2451, G replaced by A.
Molecular consequence: splice acceptor variant.
Genome position (GRCh38, 1-based): chr21:36,754,418, C>T on the plus strand (G>A on the coding strand, the complement: HLCS is on the minus strand). VCF-style: chr21-36754418-C-T. GRCh37 (hg19) VCF-style: chr21-38126719-C-T.
Other names: c.2010-1G>A (NM_000411.7, NM_001352517.1, NM_001242785.2 and 5 more transcripts).
Identifiers: ClinVar variation 590835 (VCV000590835.4), dbSNP rs1158898827, ClinGen allele CA409918404.